The following is an entry in ClinVar:

NM_001369268.1(ACAN):c.2450T>C (p.Leu817Pro)

Gene: ACAN (aggrecan; plus strand). Cytogenetic location: 15q26.1.
Variant type: single nucleotide variant.
Coding change: c.2450T>C on transcript NM_001369268.1 (MANE Select); coding-DNA position 2450, T replaced by C.
Protein change: p.Leu817Pro; replaces leucine 817 with proline.
Molecular consequence: missense variant.
Genome position (GRCh38, 1-based): chr15:88,855,035, T>C. VCF-style: chr15-88855035-T-C. GRCh37 (hg19) VCF-style: chr15-89398266-T-C.
Other names: c.2450T>C, p.Leu817Pro (NM_001135.4, NM_013227.4); c.2450T>C (NM_013227.3); short protein forms L817P.
Identifiers: ClinVar variation 1328301 (VCV001328301.7), dbSNP rs200626682, ClinGen allele CA7719870.
Genomic context (GRCh38, chr15:88,855,035, plus strand): 5'-AGGAGCCATCCCCCTCAGAGGAACCATTCCCCTCAGTGAGGCCATTCCCCTCAGTGGAGC[T>C]GTTCCCCTCAGAGGAGCCATTCCCCTCCAAGGAGCCATCCCCCTCAGAGGAACCATCAGC-3'
Protein context (NP_001356197.1, residues 807-827): PSVRPFPSVE[Leu817Pro]FPSEEPFPSK

ClinVar aggregate classification (germline): Conflicting classifications of pathogenicity. Review status: criteria provided, conflicting classifications (1 of 4 stars). 5 submissions from 5 submitters: Uncertain significance (2); Likely benign (1). 2 of the submissions do not count toward it. Last evaluated 2025-12-16.

Allele frequency attached by ClinVar (database versions not stated): gnomAD exomes 0.00034 and 0.00089; ExAC 0.00038; gnomAD 0.00053 and 0.00054; TOPMed 0.00054; ESP Exome Variant Server 0.00090.
gnomAD v4.1: 1,369 of 1,591,226 alleles (0.086%); highest among the groups gnomAD compares: Non-Finnish European, 0.11%; 1 homozygote.

Submissions (5):

Women's Health and Genetics/Laboratory Corporation of America, LabCorp
Classification: Uncertain significance. Last evaluated: 2025-12-16. Review status: criteria provided, single submitter. Criteria: LabCorp Variant Classification Summary - May 2015. Collection method: clinical testing. Allele origin: germline.
Comment: Variant summary: ACAN c.2450T>C (p.Leu817Pro) results in a non-conservative amino acid change in the encoded protein sequence. Algorithms developed to predict the effect of missense changes on protein structure and function are either unavailable or do not agree on the potential impact of this missense change. The variant allele was found at a frequency of 0.00034 in 219638 control chromosomes (gnomAD). This frequency is not significantly higher than estimated for disease-causing variants in ACAN, allowing no conclusion about variant significance. To our knowledge, no occurrence of c.2450T>C in individuals affected with ACAN-related conditions and no experimental evidence demonstrating its impact on protein function have been reported. ClinVar contains an entry for this variant (Variation ID: 1328301). Based on the evidence outlined above, the variant was classified as uncertain significance.

GeneDx
Classification: Uncertain significance. Last evaluated: 2025-01-15. Review status: criteria provided, single submitter. Criteria: GeneDx Variant Classification Process June 2021. Collection method: clinical testing. Allele origin: germline. Affected: yes.
Comment: In silico analysis indicates that this missense variant does not alter protein structure/function; Has not been previously published as pathogenic or benign to our knowledge

Blueprint Genetics
Classification: Likely benign. Last evaluated: 2024-11-21. Review status: criteria provided, single submitter. Criteria: ACMG Guidelines, 2015. Collection method: clinical testing. Allele origin: germline.

Clinical Genetics DNA and cytogenetics Diagnostics Lab, Erasmus MC, Erasmus Medical Center
Classification: Likely benign. Review status: no assertion criteria provided. Collection method: clinical testing. Allele origin: germline. Affected: yes. Study: VKGL Data-share Consensus. Not counted in ClinVar's aggregate classification.

Laboratory of Diagnostic Genome Analysis, Leiden University Medical Center (LUMC)
Classification: Likely benign. Review status: no assertion criteria provided. Collection method: clinical testing. Allele origin: germline. Affected: yes. Study: VKGL Data-share Consensus. Not counted in ClinVar's aggregate classification.